The following is an entry in ClinVar:

ClinVar aggregate classification (germline): Uncertain significance (1 of 4 stars; one submission).

Submission:

GeneDx
Classification: Uncertain significance. Last evaluated: 2023-03-21. Review status: criteria provided, single submitter. Criteria: GeneDx Variant Classification Process June 2021. Collection method: clinical testing. Allele origin: germline. Affected: yes.
Comment: In silico analysis supports that this missense variant does not alter protein structure/function; Has not been previously published as pathogenic or benign to our knowledge

NM_182641.4(BPTF):c.353G>A (p.Arg118Gln)

Gene: BPTF (bromodomain PHD finger transcription factor; plus strand). Cytogenetic location: 17q24.2.
Variant type: single nucleotide variant.
Coding change: c.353G>A on transcript NM_182641.4 (MANE Select); coding-DNA position 353, G replaced by A.
Protein change: p.Arg118Gln; replaces arginine 118 with glutamine.
Molecular consequence: missense variant.
Genome position (GRCh38, 1-based): chr17:67,826,077, G>A. VCF-style: chr17-67826077-G-A. GRCh37 (hg19) VCF-style: chr17-65822193-G-A.
Other names: c.353G>A, p.Arg118Gln (NM_004459.7); short protein forms R118Q.
Identifiers: ClinVar variation 2580409 (VCV002580409.1), dbSNP rs1298970981, ClinGen allele CA400715763.